The following is an entry in ClinVar:

NM_024101.7(MLPH):c.336C>T (p.Val112=)

Gene: MLPH (melanophilin; plus strand). Cytogenetic location: 2q37.3.
Variant type: single nucleotide variant.
Coding change: c.336C>T on transcript NM_024101.7 (MANE Select); coding-DNA position 336, C replaced by T.
Protein change: p.Val112=; no amino-acid change (valine 112 retained).
Molecular consequence: synonymous variant. On other transcripts: non-coding transcript variant (1).
Genome position (GRCh38, 1-based): chr2:237,510,992, C>T. VCF-style: chr2-237510992-C-T. GRCh37 (hg19) VCF-style: chr2-238419635-C-T.
Other names: c.336C>T (NM_024101.6); c.336C>T, p.Val112= (NM_001042467.3, NM_001281473.2, NM_001281474.2).
Identifiers: ClinVar variation 2716758 (VCV002716758.5), dbSNP rs200648474, ClinGen allele CA2190170.
Genomic context (GRCh38, chr2:237,510,992, plus strand): 5'-ATGCAGGCCTGTGTACAGCACTCAGGCAGTGCCATGAGCCTGTGCTTGTCCCTGCAGAGT[C>T]GTGAAGATCGGCTCACTGGAGTGGTACTATGAGCATGTGAAAGCCCGCTTCAAGAGGTTC-3'
Protein context (NP_077006.1, residues 102-122): WICDPCHLAR[Val112=]VKIGSLEWYY

ClinVar aggregate classification (germline): Likely benign. Review status: criteria provided, single submitter (1 of 4 stars). 2 submissions from 2 submitters: Likely benign (1). 1 of the submissions does not count toward it. Last evaluated 2025-02-07.

Conditions:
MLPH-related disorder. Also called: MLPH-related condition.

Allele frequency attached by ClinVar (database versions not stated): gnomAD 0.00011; ExAC 0.00013; 1000 Genomes Project 0.00020; TOPMed 0.00029; 1000 Genomes Project 30x 0.00031.
gnomAD v4.1: 147 of 1,613,388 alleles (0.0091%); highest among the groups gnomAD compares: Middle Eastern, 0.066%; no homozygotes.

Submissions (2):

Labcorp Genetics (formerly Invitae), Labcorp
Classification: Likely benign. Last evaluated: 2025-02-07. Review status: criteria provided, single submitter. Criteria: Invitae Variant Classification Sherloc (09022015). Collection method: clinical testing. Allele origin: germline.

PreventionGenetics, part of Exact Sciences
Classification: Likely benign for MLPH-related condition. Last evaluated: 2019-06-11. Review status: no assertion criteria provided. Collection method: clinical testing. Allele origin: germline. Not counted in ClinVar's aggregate classification.
Comment: This variant is classified as likely benign based on ACMG/AMP sequence variant interpretation guidelines (Richards et al. 2015 PMID: 25741868, with internal and published modifications).